The following is an entry in ClinVar:

ClinVar aggregate classification (germline): Uncertain significance (1 of 4 stars; one submission).

Submission:

Labcorp Genetics (formerly Invitae), Labcorp
Classification: Uncertain significance. Last evaluated: 2023-07-10. Review status: criteria provided, single submitter. Criteria: Invitae Variant Classification Sherloc (09022015). Collection method: clinical testing. Allele origin: germline.
Comment: In summary, the available evidence is currently insufficient to determine the role of this variant in disease. Therefore, it has been classified as a Variant of Uncertain Significance. Advanced modeling of protein sequence and biophysical properties (such as structural, functional, and spatial information, amino acid conservation, physicochemical variation, residue mobility, and thermodynamic stability) performed at Invitae indicates that this missense variant is not expected to disrupt FN1 protein function. This variant has not been reported in the literature in individuals affected with FN1-related conditions. This variant is not present in population databases (gnomAD no frequency). This sequence change replaces glutamine, which is neutral and polar, with histidine, which is basic and polar, at codon 15 of the FN1 protein (p.Gln15His).

NM_212482.4(FN1):c.45G>T (p.Gln15His)

Genes: FN1 (fibronectin 1; minus strand), FN1-DT (FN1 divergent transcript; plus strand). Cytogenetic location: 2q35.
Variant type: single nucleotide variant.
Coding change: c.45G>T on transcript NM_212482.4 (MANE Select); coding-DNA position 45, G replaced by T.
Protein change: p.Gln15His; replaces glutamine 15 with histidine.
Molecular consequence: missense variant. On other transcripts: non-coding transcript variant (1).
Genome position (GRCh38, 1-based): chr2:215,435,758, C>A on the plus strand (G>T on the coding strand, the complement: FN1 is on the minus strand). VCF-style: chr2-215435758-C-A. GRCh37 (hg19) VCF-style: chr2-216300481-C-A.
Other names: c.45G>T, p.Gln15His (NM_001306129.2, NM_001306130.2, NM_001306131.2 and 14 more transcripts); short protein forms Q15H.
Identifiers: ClinVar variation 2835833 (VCV002835833.3), dbSNP rs2470621126, ClinGen allele CA350481076.